The following is an entry in ClinVar:

ClinVar aggregate classification (germline): Uncertain significance (1 of 4 stars; one submission).

gnomAD v4.1: 1 of 1,614,164 alleles (0.000062%); highest among the groups gnomAD compares: Non-Finnish European, 0.000085%; no homozygotes.

Submission:

Labcorp Genetics (formerly Invitae), Labcorp
Classification: Uncertain significance. Last evaluated: 2022-04-17. Review status: criteria provided, single submitter. Criteria: Invitae Variant Classification Sherloc (09022015). Collection method: clinical testing. Allele origin: germline.
Comment: In summary, the available evidence is currently insufficient to determine the role of this variant in disease. Therefore, it has been classified as a Variant of Uncertain Significance. Algorithms developed to predict the effect of missense changes on protein structure and function are either unavailable or do not agree on the potential impact of this missense change (SIFT: "Not Available"; PolyPhen-2: "Possibly Damaging"; Align-GVGD: "Not Available"). This variant has not been reported in the literature in individuals affected with ADAMTS18-related conditions. This variant is not present in population databases (gnomAD no frequency). This sequence change replaces histidine, which is basic and polar, with tyrosine, which is neutral and polar, at codon 189 of the ADAMTS18 protein (p.His189Tyr).

NM_199355.4(ADAMTS18):c.565C>T (p.His189Tyr)

Gene: ADAMTS18 (ADAM metallopeptidase with thrombospondin type 1 motif 18; minus strand). Cytogenetic location: 16q23.1.
Variant type: single nucleotide variant.
Coding change: c.565C>T on transcript NM_199355.4 (MANE Select); coding-DNA position 565, C replaced by T.
Protein change: p.His189Tyr; replaces histidine 189 with tyrosine.
Molecular consequence: missense variant. On other transcripts: synonymous variant (1).
Genome position (GRCh38, 1-based): chr16:77,367,654, G>A on the plus strand (C>T on the coding strand, the complement: ADAMTS18 is on the minus strand). VCF-style: chr16-77367654-G-A. GRCh37 (hg19) VCF-style: chr16-77401551-G-A.
Other names: c.45C>T, p.Asn15= (NM_001326358.2); short protein forms H189Y.
Identifiers: ClinVar variation 2104509 (VCV002104509.4), dbSNP rs1027304794, ClinGen allele CA284377460.